The following is an entry in ClinVar:

NM_015425.6(POLR1A):c.189G>T (p.Val63=)

Gene: POLR1A (RNA polymerase I subunit A; minus strand). Cytogenetic location: 2p11.2.
Variant type: single nucleotide variant.
Coding change: c.189G>T on transcript NM_015425.6 (MANE Select); coding-DNA position 189, G replaced by T.
Protein change: p.Val63=; no amino-acid change (valine 63 retained).
Molecular consequence: synonymous variant.
Genome position (GRCh38, 1-based): chr2:86,100,061, C>A on the plus strand (G>T on the coding strand, the complement: POLR1A is on the minus strand). VCF-style: chr2-86100061-C-A. GRCh37 (hg19) VCF-style: chr2-86327184-C-A.
Identifiers: ClinVar variation 4534973 (VCV004534973.6).

ClinVar aggregate classification (germline): Likely benign (1 of 4 stars; one submission).

gnomAD v4.1: 1 of 1,614,194 alleles (0.000062%); no homozygotes.

Submission:

CeGaT Center for Human Genetics Tuebingen
Classification: Likely benign. Last evaluated: 2025-10-01. Review status: criteria provided, single submitter. Criteria: CeGaT Center For Human Genetics Tuebingen Variant Classification Criteria Version 2. Collection method: clinical testing. Allele origin: germline. Affected: yes. Observed: 1 variant allele.
Comment: POLR1A: BP4, BP7